The following is an entry in ClinVar:

ClinVar aggregate classification (germline): Conflicting classifications of pathogenicity. Review status: criteria provided, conflicting classifications (1 of 4 stars). 7 submissions from 7 submitters: Uncertain significance (4); Likely benign (2). 1 of the submissions does not count toward it. Last evaluated 2026-06-17.

Conditions:
Retinal dystrophy. Also called: Inherited retinal dystrophy. Identifiers: Orphanet 71862, MedGen C0854723, MeSH D058499, MONDO:0019118, HP:0000556.
Retinitis pigmentosa (RP). Identifiers: Orphanet 791, MedGen C0035334, MeSH D012174, MONDO:0019200, OMIM 268000. Inheritance: Autosomal dominant, autosomal recessive and X linked inheritance.
Inborn genetic diseases. Identifiers: MedGen C0950123, MeSH D030342.
PRPF8-related disorder. Also called: PRPF8-related condition.

Allele frequency attached by ClinVar (database versions not stated): gnomAD 0.00024 and 0.00023; gnomAD exomes 0.00012; TOPMed 0.00013; ExAC 0.00010.

Submissions (7):

PreventionGenetics, part of Exact Sciences
Classification: Uncertain significance for PRPF8-related condition. Last evaluated: 2026-06-17. Review status: criteria provided, single submitter. Criteria: ACMG Guidelines, 2015. Collection method: clinical testing. Allele origin: germline.
Comment: The PRPF8 c.1869G>C variant is predicted to result in the amino acid substitution p.Lys623Asn. To our knowledge, this variant has not been reported in the literature. This variant is reported in 0.033% of alleles in individuals of European (Non-Finnish) descent in gnomAD. Although we suspect that this variant may be benign, at this time, the clinical significance of this variant is uncertain due to the absence of conclusive functional and genetic evidence.

Labcorp Genetics (formerly Invitae), Labcorp
Classification: Uncertain significance. Last evaluated: 2025-09-14. Review status: criteria provided, single submitter. Criteria: Invitae Variant Classification Sherloc (09022015). Collection method: clinical testing. Allele origin: germline.
Comment: This sequence change replaces lysine, which is basic and polar, with asparagine, which is neutral and polar, at codon 623 of the PRPF8 protein (p.Lys623Asn). This variant is present in population databases (rs200389505, gnomAD 0.03%), and has an allele count higher than expected for a pathogenic variant. This variant has not been reported in the literature in individuals affected with PRPF8-related conditions. ClinVar contains an entry for this variant (Variation ID: 321907). Invitae Evidence Modeling of protein sequence and biophysical properties (such as structural, functional, and spatial information, amino acid conservation, physicochemical variation, residue mobility, and thermodynamic stability) indicates that this missense variant is not expected to disrupt PRPF8 protein function with a negative predictive value of 80%. In summary, the available evidence is currently insufficient to determine the role of this variant in disease. Therefore, it has been classified as a Variant of Uncertain Significance.

Blueprint Genetics
Classification: Likely benign. Last evaluated: 2024-11-07. Review status: criteria provided, single submitter. Criteria: ACMG Guidelines, 2015. Collection method: clinical testing. Allele origin: germline.

CeGaT Center for Human Genetics Tuebingen
Classification: Likely benign. Last evaluated: 2024-01-01. Review status: criteria provided, single submitter. Criteria: CeGaT Center For Human Genetics Tuebingen Variant Classification Criteria Version 2. Collection method: clinical testing. Allele origin: germline. Affected: yes. Observed: 3 variant alleles.
Comment: PRPF8: PP2, PP3, BS1

Ambry Genetics
Classification: Uncertain significance for Inborn genetic diseases. Last evaluated: 2021-07-13. Review status: criteria provided, single submitter. Criteria: Ambry Variant Classification Scheme 2023. Collection method: clinical testing. Allele origin: germline.

Illumina Laboratory Services, Illumina
Classification: Uncertain significance for Retinitis pigmentosa. Last evaluated: 2018-01-13. Review status: criteria provided, single submitter. Criteria: ICSL Variant Classification Criteria 13 December 2019. Collection method: clinical testing. Allele origin: germline.

Institute of Human Genetics, Univ. Regensburg, Univ. Regensburg
Classification: Uncertain significance for Retinal dystrophy. Last evaluated: 2022-01-01. Review status: no assertion criteria provided. Criteria: ACMG Guidelines, 2015. Collection method: clinical testing. Allele origin: germline. Affected: yes. Not counted in ClinVar's aggregate classification.

NM_006445.4(PRPF8):c.1869G>C (p.Lys623Asn)

Gene: PRPF8 (pre-mRNA processing factor 8; minus strand). Cytogenetic location: 17p13.3.
Variant type: single nucleotide variant.
Coding change: c.1869G>C on transcript NM_006445.4 (MANE Select); coding-DNA position 1869, G replaced by C.
Protein change: p.Lys623Asn; replaces lysine 623 with asparagine.
Molecular consequence: missense variant.
Genome position (GRCh38, 1-based): chr17:1,677,680, C>G on the plus strand (G>C on the coding strand, the complement: PRPF8 is on the minus strand). VCF-style: chr17-1677680-C-G. GRCh37 (hg19) VCF-style: chr17-1580974-C-G.
Other names: short protein forms K623N.
Identifiers: ClinVar variation 321907 (VCV000321907.42), dbSNP rs200389505, ClinGen allele CA8272227.